The following is an entry in ClinVar:

NM_002900.3(RBP3):c.1559A>T (p.His520Leu)

Gene: RBP3 (retinol binding protein 3; plus strand). Cytogenetic location: 10q11.22.
Variant type: single nucleotide variant.
Coding change: c.1559A>T on transcript NM_002900.3 (MANE Select); coding-DNA position 1559, A replaced by T.
Protein change: p.His520Leu; replaces histidine 520 with leucine.
Molecular consequence: missense variant.
Genome position (GRCh38, 1-based): chr10:47,350,043, A>T. VCF-style: chr10-47350043-A-T. GRCh37 (hg19) VCF-style: chr10-48389319-T-A.
Other names: short protein forms H520L.
Identifiers: ClinVar variation 1040438 (VCV001040438.8), dbSNP rs782076733, ClinGen allele CA206463353.

ClinVar aggregate classification (germline): Uncertain significance (1 of 4 stars; one submission).

Submission:

Labcorp Genetics (formerly Invitae), Labcorp
Classification: Uncertain significance. Last evaluated: 2025-04-17. Review status: criteria provided, single submitter. Criteria: Invitae Variant Classification Sherloc (09022015). Collection method: clinical testing. Allele origin: germline.
Comment: This sequence change replaces histidine, which is basic and polar, with leucine, which is neutral and non-polar, at codon 520 of the RBP3 protein (p.His520Leu). This variant is not present in population databases (gnomAD no frequency). This variant has not been reported in the literature in individuals affected with RBP3-related conditions. ClinVar contains an entry for this variant (Variation ID: 1040438). An algorithm developed to predict the effect of missense changes on protein structure and function (PolyPhen-2) suggests that this variant is likely to be disruptive. In summary, the available evidence is currently insufficient to determine the role of this variant in disease. Therefore, it has been classified as a Variant of Uncertain Significance.